The following is an entry in ClinVar:

ClinVar aggregate classification (germline): Pathogenic/Likely pathogenic. Review status: criteria provided, multiple submitters, no conflicts (2 of 4 stars). 3 submissions from 3 submitters: Pathogenic (2); Likely pathogenic (1). Last evaluated 2025-06-07.

Conditions:
Isovaleryl-CoA dehydrogenase deficiency (IVA). Also called: ISOVALERIC ACID CoA DEHYDROGENASE DEFICIENCY; IVD DEFICIENCY; Isovaleric acidemia; Classic Isovaleric Acidemia. Identifiers: Orphanet 33, MedGen C0268575, MONDO:0009475, OMIM 243500.

Allele frequency attached by ClinVar (database versions not stated): ExAC 0.00001; gnomAD 0.00001; TOPMed 0.00001; ESP Exome Variant Server 0.00008; gnomAD exomes below 0.00001.
gnomAD v4.1: 1 of 1,614,106 alleles (0.000062%); highest among the groups gnomAD compares: African/African-American, 0.0013%; no homozygotes.

Submissions (3):

Natera, Inc.
Classification: Likely pathogenic for Isovaleryl-coa dehydrogenase deficiency. Last evaluated: 2025-06-07. Review status: criteria provided, single submitter. Criteria: Natera Variant Classification Schema (03/2026). Collection method: clinical testing. Allele origin: germline.
Comment: The c.1117C>T variant in IVD is a nonsense variant predicted to introduce a stop codon at amino acid 373. This variant is expected to result in nonsense mediated decay, truncation, or a dysfunctional protein product. This variant is rare in the general population with a frequency below the threshold expected for the associated phenotype(s). Given the available evidence, this variant is classified as Likely Pathogenic.

Labcorp Genetics (formerly Invitae), Labcorp
Classification: Pathogenic for Isovaleryl-CoA dehydrogenase deficiency. Last evaluated: 2023-08-17. Review status: criteria provided, single submitter. Criteria: Invitae Variant Classification Sherloc (09022015). Collection method: clinical testing. Allele origin: germline.
Comment: This sequence change creates a premature translational stop signal (p.Gln373*) in the IVD gene. While this is not anticipated to result in nonsense mediated decay, it is expected to disrupt the last 54 amino acid(s) of the IVD protein. This variant disrupts a region of the IVD protein in which other variant(s) (p.Leu397Phefs*9) have been determined to be pathogenic (PMID: 2063866; Invitae). This suggests that this is a clinically significant region of the protein, and that variants that disrupt it are likely to be disease-causing. For these reasons, this variant has been classified as Pathogenic. This variant has not been reported in the literature in individuals affected with IVD-related conditions. This variant is present in population databases (rs368705240, gnomAD 0.008%). ClinVar contains an entry for this variant (Variation ID: 286660).

Eurofins Ntd Llc (ga)
Classification: Pathogenic. Last evaluated: 2016-03-16. Review status: criteria provided, single submitter. Criteria: EGL Classification Definitions 2015. Collection method: clinical testing. Allele origin: germline. Observed: 1 variant allele, 1 heterozygote.

Literature cited by the submitters: PubMed 2063866 (cited by Labcorp Genetics (formerly Invitae), Labcorp).

NM_002225.5(IVD):c.1108C>T (p.Gln370Ter)

Gene: IVD (isovaleryl-CoA dehydrogenase; plus strand). Cytogenetic location: 15q15.1.
Variant type: single nucleotide variant.
Coding change: c.1108C>T on transcript NM_002225.5 (MANE Select); coding-DNA position 1108, C replaced by T.
Protein change: p.Gln370Ter; replaces glutamine 370 with a stop codon.
Molecular consequence: nonsense. On other transcripts: non-coding transcript variant (1).
Genome position (GRCh38, 1-based): chr15:40,416,332, C>T. VCF-style: chr15-40416332-C-T. GRCh37 (hg19) VCF-style: chr15-40708531-C-T.
Other names: c.1117C>T (NM_002225.3); c.1018C>T, p.Gln340Ter (NM_001159508.3); c.1060C>T, p.Gln354Ter (NM_001354597.3); c.1108C>T, p.Gln370Ter (NM_001354598.3, NM_001354601.3); c.1195C>T, p.Gln399Ter (NM_001354599.3, NM_001354600.3); short protein forms Q370*, Q399*, Q340*, Q354*.
Identifiers: ClinVar variation 286660 (VCV000286660.13), dbSNP rs368705240, ClinGen allele CA7480886.